The following is an entry in ClinVar:

NM_001170700.3(DTHD1):c.1747G>A (p.Val583Ile)

Gene: DTHD1 (death domain containing 1; plus strand). Cytogenetic location: 4p14.
Variant type: single nucleotide variant.
Coding change: c.1747G>A on transcript NM_001170700.3 (MANE Select); coding-DNA position 1747, G replaced by A.
Protein change: p.Val583Ile; replaces valine 583 with isoleucine.
Molecular consequence: missense variant. On other transcripts: non-coding transcript variant (2).
Genome position (GRCh38, 1-based): chr4:36,306,294, G>A. VCF-style: chr4-36306294-G-A. GRCh37 (hg19) VCF-style: chr4-36307916-G-A.
Other names: c.877G>A, p.Val293Ile (NM_001136536.5); c.814G>A, p.Val272Ile (NM_001378435.1); short protein forms V293I, V583I, V272I.
Identifiers: ClinVar variation 3013870 (VCV003013870.4), dbSNP rs1399733849, ClinGen allele CA356680509.

ClinVar aggregate classification (germline): Uncertain significance. Review status: criteria provided, multiple submitters, no conflicts (2 of 4 stars). 2 submissions from 2 submitters: Uncertain significance (2). Last evaluated 2023-05-22.

gnomAD v4.1: 5 of 1,550,436 alleles (0.00032%); highest among the groups gnomAD compares: African/African-American, 0.0041%; no homozygotes.

Submissions (2):

Labcorp Genetics (formerly Invitae), Labcorp
Classification: Uncertain significance. Last evaluated: 2023-05-22. Review status: criteria provided, single submitter. Criteria: Invitae Variant Classification Sherloc (09022015). Collection method: clinical testing. Allele origin: germline.
Comment: In summary, the available evidence is currently insufficient to determine the role of this variant in disease. Therefore, it has been classified as a Variant of Uncertain Significance. An algorithm developed to predict the effect of missense changes on protein structure and function (PolyPhen-2) suggests that this variant is likely to be disruptive. This sequence change replaces valine, which is neutral and non-polar, with isoleucine, which is neutral and non-polar, at codon 293 of the DTHD1 protein (p.Val293Ile). This variant is present in population databases (no rsID available, gnomAD 0.01%). This variant has not been reported in the literature in individuals affected with DTHD1-related conditions.

Blueprint Genetics
Classification: Uncertain significance. Last evaluated: 2017-08-09. Review status: criteria provided, single submitter. Criteria: ACMG Guidelines, 2015. Collection method: clinical testing. Allele origin: germline.